The following is an entry in ClinVar:

NM_001846.4(COL4A2):c.1312G>A (p.Gly438Arg)

Gene: COL4A2 (collagen type IV alpha 2 chain; plus strand). Cytogenetic location: 13q34.
Variant type: single nucleotide variant.
Coding change: c.1312G>A on transcript NM_001846.4 (MANE Select); coding-DNA position 1312, G replaced by A.
Protein change: p.Gly438Arg; replaces glycine 438 with arginine.
Molecular consequence: missense variant.
Genome position (GRCh38, 1-based): chr13:110,450,427, G>A. VCF-style: chr13-110450427-G-A. GRCh37 (hg19) VCF-style: chr13-111102774-G-A.
Other names: c.1312G>A (NM_001846.2); short protein forms G438R.
Identifiers: ClinVar variation 2579160 (VCV002579160.2), dbSNP rs1266666247, ClinGen allele CA388734720.

ClinVar aggregate classification (germline): Conflicting classifications of pathogenicity. Review status: criteria provided, conflicting classifications (1 of 4 stars). 2 submissions from 2 submitters: Likely pathogenic (1); Uncertain significance (1). Last evaluated 2023-07-21.

Conditions:
Brain small vessel disease 2A, autosomal dominant. Also called: Porencephaly 2. Identifiers: Orphanet 2940, Orphanet 99810, MedGen C3280970, MONDO:0013773, OMIM 614483.

Allele frequency attached by ClinVar (database versions not stated): gnomAD exomes below 0.00001; TOPMed below 0.00001; gnomAD 0.00001.
gnomAD v4.1: 3 of 1,613,776 alleles (0.00019%); highest among the groups gnomAD compares: Non-Finnish European, 0.00025%; no homozygotes.

Submissions (2):

MVZ Martinsried, Medicover Genetics
Classification: Likely pathogenic for Brain small vessel disease 2A, autosomal dominant. Last evaluated: 2023-07-21. Review status: criteria provided, single submitter. Criteria: ACGS Guidelines, 2020. Collection method: clinical testing. Allele origin: paternal. Affected: yes.

GeneDx
Classification: Uncertain significance. Last evaluated: 2023-04-13. Review status: criteria provided, single submitter. Criteria: GeneDx Variant Classification Process June 2021. Collection method: clinical testing. Allele origin: germline. Affected: yes.
Comment: Not observed at significant frequency in large population cohorts (gnomAD); In silico analysis supports that this missense variant has a deleterious effect on protein structure/function; Has not been previously published as pathogenic or benign to our knowledge